The following is an entry in ClinVar:

NM_001379291.1(BRD4):c.1719G>A (p.Thr573=)

Gene: BRD4 (bromodomain containing 4; minus strand). Cytogenetic location: 19p13.12.
Variant type: single nucleotide variant.
Coding change: c.1719G>A on transcript NM_001379291.1 (MANE Select); coding-DNA position 1719, G replaced by A.
Protein change: p.Thr573=; no amino-acid change (threonine 573 retained).
Molecular consequence: synonymous variant.
Genome position (GRCh38, 1-based): chr19:15,256,096, C>T on the plus strand (G>A on the coding strand, the complement: BRD4 is on the minus strand). VCF-style: chr19-15256096-C-T. GRCh37 (hg19) VCF-style: chr19-15366907-C-T.
Other names: c.1719G>A, p.Thr573= (NM_001330384.2, NM_001379292.1, NM_014299.3 and 1 more transcripts).
Identifiers: ClinVar variation 2059814 (VCV002059814.21), dbSNP rs142701429, ClinGen allele CA9265304.

ClinVar aggregate classification (germline): Benign/Likely benign. Review status: criteria provided, multiple submitters, no conflicts (2 of 4 stars). 2 submissions from 2 submitters: Benign (1); Likely benign (1). Last evaluated 2026-07-01.

Allele frequency attached by ClinVar (database versions not stated): ESP Exome Variant Server 0.00038; TOPMed 0.00046; gnomAD 0.00047; 1000 Genomes Project 30x 0.00062; 1000 Genomes Project 0.00080; ExAC 0.00090.
gnomAD v4.1: 828 of 1,611,748 alleles (0.051%); highest among the groups gnomAD compares: South Asian, 0.15%; 2 homozygotes.

Submissions (2):

CeGaT Center for Human Genetics Tuebingen
Classification: Likely benign. Last evaluated: 2026-07-01. Review status: criteria provided, single submitter. Criteria: CeGaT Center For Human Genetics Tuebingen Variant Classification Criteria Version 2. Collection method: clinical testing. Allele origin: germline. Affected: yes. Observed: 3 variant alleles.
Comment: BRD4: BP4, BP7

Labcorp Genetics (formerly Invitae), Labcorp
Classification: Benign. Last evaluated: 2026-01-27. Review status: criteria provided, single submitter. Criteria: Invitae Variant Classification Sherloc (09022015). Collection method: clinical testing. Allele origin: germline.